The following is an entry in ClinVar:

ClinVar aggregate classification (germline): Uncertain significance. Review status: criteria provided, multiple submitters, no conflicts (2 of 4 stars). 2 submissions from 2 submitters: Uncertain significance (2). Last evaluated 2025-12-21.

Conditions:
Hereditary cancer-predisposing syndrome. Also called: Tumor predisposition; Neoplastic Syndromes, Hereditary; Hereditary Cancer Syndrome; Hereditary neoplastic syndrome. Identifiers: Orphanet 140162, MedGen C0027672, MeSH D009386, MONDO:0015356.

Submissions (2):

Ambry Genetics
Classification: Uncertain significance for Hereditary cancer-predisposing syndrome. Last evaluated: 2025-12-21. Review status: criteria provided, single submitter. Criteria: Ambry Variant Classification Scheme 2023. Collection method: clinical testing. Allele origin: germline.
Comment: The p.Y109N variant (also known as c.325T>A), located in coding exon 1 of the HOXB13 gene, results from a T to A substitution at nucleotide position 325. The tyrosine at codon 109 is replaced by asparagine, an amino acid with dissimilar properties. This amino acid position is conserved. In addition, this alteration is predicted to be tolerated by in silico analysis. Based on the available evidence, the clinical significance of this variant remains unclear.

Labcorp Genetics (formerly Invitae), Labcorp
Classification: Uncertain significance. Last evaluated: 2023-09-14. Review status: criteria provided, single submitter. Criteria: Invitae Variant Classification Sherloc (09022015). Collection method: clinical testing. Allele origin: germline.
Comment: Advanced modeling of protein sequence and biophysical properties (such as structural, functional, and spatial information, amino acid conservation, physicochemical variation, residue mobility, and thermodynamic stability) performed at Invitae indicates that this missense variant is not expected to disrupt HOXB13 protein function. In summary, the available evidence is currently insufficient to determine the role of this variant in disease. Therefore, it has been classified as a Variant of Uncertain Significance. This variant has not been reported in the literature in individuals affected with HOXB13-related conditions. This variant is not present in population databases (gnomAD no frequency). This sequence change replaces tyrosine, which is neutral and polar, with asparagine, which is neutral and polar, at codon 109 of the HOXB13 protein (p.Tyr109Asn).

NM_006361.6(HOXB13):c.325T>A (p.Tyr109Asn)

Gene: HOXB13 (homeobox B13; minus strand). Cytogenetic location: 17q21.32.
Variant type: single nucleotide variant.
Coding change: c.325T>A on transcript NM_006361.6 (MANE Select); coding-DNA position 325, T replaced by A.
Protein change: p.Tyr109Asn; replaces tyrosine 109 with asparagine.
Molecular consequence: missense variant.
Genome position (GRCh38, 1-based): chr17:48,728,269, A>T on the plus strand (T>A on the coding strand, the complement: HOXB13 is on the minus strand). VCF-style: chr17-48728269-A-T. GRCh37 (hg19) VCF-style: chr17-46805631-A-T.
Other names: short protein forms Y109N.
Identifiers: ClinVar variation 2866046 (VCV002866046.4), dbSNP rs2509515373, ClinGen allele CA400107693.